The following is an entry in ClinVar:

ClinVar aggregate classification (germline): Likely benign. Review status: criteria provided, multiple submitters, no conflicts (2 of 4 stars). 3 submissions from 3 submitters: Likely benign (3). Last evaluated 2024-07-29.

Conditions:
Cardiomyopathy (CMYO). Also called: Cardiomyopathies. Identifiers: Orphanet 167848, MedGen C0878544, MONDO:0004994, HP:0001638. Inheritance: Various modes of inheritance.
Cardiovascular phenotype. Identifiers: MedGen CN230736.
Hypertrophic cardiomyopathy. Also called: HYPERTROPHIC MYOCARDIOPATHY. Identifiers: Orphanet 217569, MedGen C0007194, MeSH D002312, MONDO:0005045, HP:0001639.

Allele frequency attached by ClinVar (database versions not stated): gnomAD exomes below 0.00001.
gnomAD v4.1: 2 of 1,614,092 alleles (0.00012%); highest among the groups gnomAD compares: Admixed American, 0.0017%; no homozygotes.

Submissions (3):

All of Us Research Program, National Institutes of Health
Classification: Likely benign for Cardiomyopathy. Last evaluated: 2024-07-29. Review status: criteria provided, single submitter. Criteria: ACMG Guidelines, 2015. Collection method: clinical testing. Allele origin: germline. Inheritance: Autosomal dominant inheritance. Observed: 2 variant alleles, 2 heterozygotes.
Comment: This study involves interpretation of variants in research participants for the purpose of population health screening. Participant phenotype was not available at the time of variant classification. Additional details can be found in publication PMID: 35346344, PMCID: PMC8962531

Labcorp Genetics (formerly Invitae), Labcorp
Classification: Likely benign for Hypertrophic cardiomyopathy. Last evaluated: 2024-01-02. Review status: criteria provided, single submitter. Criteria: Invitae Variant Classification Sherloc (09022015). Collection method: clinical testing. Allele origin: germline.

Ambry Genetics
Classification: Likely benign for Cardiovascular phenotype. Last evaluated: 2023-09-30. Review status: criteria provided, single submitter. Criteria: Ambry Variant Classification Scheme 2023. Collection method: clinical testing. Allele origin: germline.

NM_000257.4(MYH7):c.1905A>G (p.Lys635=)

Gene: MYH7 (myosin heavy chain 7; minus strand). Cytogenetic location: 14q11.2.
Variant type: single nucleotide variant.
Coding change: c.1905A>G on transcript NM_000257.4 (MANE Select); coding-DNA position 1905, A replaced by G.
Protein change: p.Lys635=; no amino-acid change (lysine 635 retained).
Molecular consequence: synonymous variant.
Genome position (GRCh38, 1-based): chr14:23,427,291, T>C on the plus strand (A>G on the coding strand, the complement: MYH7 is on the minus strand). VCF-style: chr14-23427291-T-C. GRCh37 (hg19) VCF-style: chr14-23896500-T-C.
Identifiers: ClinVar variation 1653471 (VCV001653471.10), dbSNP rs1293989007, ClinGen allele CA485767168.